The following is an entry in ClinVar:

ClinVar aggregate classification (germline): Uncertain significance. Review status: criteria provided, multiple submitters, no conflicts (2 of 4 stars). 2 submissions from 2 submitters: Uncertain significance (2). Last evaluated 2025-07-30.

Conditions:
Cardiovascular phenotype. Identifiers: MedGen CN230736.
Capillary malformation-arteriovenous malformation syndrome. Also called: Capillary malformation-arteriovenous malformation. Identifiers: Orphanet 137667, MedGen C1842180, MONDO:0012016.

Allele frequency attached by ClinVar (database versions not stated): gnomAD 0.00002; gnomAD exomes 0.00001; ExAC 0.00001; TOPMed 0.00002.
gnomAD v4.1: 21 of 1,602,224 alleles (0.0013%); highest among the groups gnomAD compares: Admixed American, 0.0033%; no homozygotes.

Submissions (2):

Labcorp Genetics (formerly Invitae), Labcorp
Classification: Uncertain significance for Capillary malformation-arteriovenous malformation syndrome. Last evaluated: 2025-07-30. Review status: criteria provided, single submitter. Criteria: Invitae Variant Classification Sherloc (09022015). Collection method: clinical testing. Allele origin: germline.
Comment: This sequence change replaces isoleucine, which is neutral and non-polar, with threonine, which is neutral and polar, at codon 730 of the RASA1 protein (p.Ile730Thr). This variant is present in population databases (rs758288921, gnomAD 0.0009%). This variant has not been reported in the literature in individuals affected with RASA1-related conditions. ClinVar contains an entry for this variant (Variation ID: 939694). An algorithm developed to predict the effect of missense changes on protein structure and function (PolyPhen-2) suggests that this variant is likely to be tolerated. In summary, the available evidence is currently insufficient to determine the role of this variant in disease. Therefore, it has been classified as a Variant of Uncertain Significance.

Ambry Genetics
Classification: Uncertain significance for Cardiovascular phenotype. Last evaluated: 2023-04-09. Review status: criteria provided, single submitter. Criteria: Ambry Variant Classification Scheme 2023. Collection method: clinical testing. Allele origin: germline.
Comment: The p.I730T variant (also known as c.2189T>C), located in coding exon 17 of the RASA1 gene, results from a T to C substitution at nucleotide position 2189. The isoleucine at codon 730 is replaced by threonine, an amino acid with similar properties. This amino acid position is conserved. In addition, this alteration is predicted to be tolerated by in silico analysis. Since supporting evidence is limited at this time, the clinical significance of this alteration remains unclear.

NM_002890.3(RASA1):c.2189T>C (p.Ile730Thr)

Genes: CCNH (cyclin H; minus strand), RASA1 (RAS p21 protein activator 1; plus strand). Cytogenetic location: 5q14.3.
Variant type: single nucleotide variant.
Coding change: c.2189T>C on transcript NM_002890.3 (MANE Select); coding-DNA position 2189, T replaced by C.
Protein change: p.Ile730Thr; replaces isoleucine 730 with threonine.
Molecular consequence: missense variant. On other transcripts: intron variant (1).
Genome position (GRCh38, 1-based): chr5:87,376,885, T>C. VCF-style: chr5-87376885-T-C. GRCh37 (hg19) VCF-style: chr5-86672702-T-C.
Other names: c.1658T>C, p.Ile553Thr (NM_022650.3); c.933+18159A>G (NM_001364075.2); short protein forms I553T, I730T.
Identifiers: ClinVar variation 939694 (VCV000939694.49), dbSNP rs758288921, ClinGen allele CA3335944.